The following is an entry in ClinVar:

NM_030948.6(PHACTR1):c.416-1G>T

Gene: PHACTR1 (phosphatase and actin regulator 1; plus strand). Cytogenetic location: 6p24.1.
Variant type: single nucleotide variant.
Coding change: c.416-1G>T on transcript NM_030948.6 (MANE Select); the canonical splice acceptor site of the intron before coding-DNA position 416, G replaced by T.
Molecular consequence: splice acceptor variant.
Genome position (GRCh38, 1-based): chr6:13,160,203, G>T. VCF-style: chr6-13160203-G-T. GRCh37 (hg19) VCF-style: chr6-13160435-G-T.
Other names: c.416-1G>T (NM_001242648.4, NM_001374581.2, NM_001322308.3 and 3 more transcripts); c.140-1G>T (NM_001322313.2, NM_001322312.3, NM_001322311.2 and 1 more transcripts); c.419-1G>T (NM_001322314.4).
Identifiers: ClinVar variation 3372666 (VCV003372666.1).

ClinVar aggregate classification (germline): Uncertain significance (1 of 4 stars; one submission).

Submission:

GeneDx
Classification: Uncertain significance. Last evaluated: 2024-04-22. Review status: criteria provided, single submitter. Criteria: GeneDx Variant Classification Process June 2021. Collection method: clinical testing. Allele origin: germline. Affected: yes.
Comment: Not observed at significant frequency in large population cohorts (gnomAD); Canonical splice site variant in a gene or region of a gene for which loss of function is not a well-established mechanism of disease; Has not been previously published as pathogenic or benign to our knowledge